The following is an entry in ClinVar:

NM_000287.4(PEX6):c.1559G>A (p.Arg520His)

Gene: PEX6 (peroxisomal biogenesis factor 6; minus strand). Cytogenetic location: 6p21.1.
Variant type: single nucleotide variant.
Coding change: c.1559G>A on transcript NM_000287.4 (MANE Select); coding-DNA position 1559, G replaced by A.
Protein change: p.Arg520His; replaces arginine 520 with histidine.
Molecular consequence: missense variant. On other transcripts: non-coding transcript variant (1).
Genome position (GRCh38, 1-based): chr6:42,968,419, C>T on the plus strand (G>A on the coding strand, the complement: PEX6 is on the minus strand). VCF-style: chr6-42968419-C-T. GRCh37 (hg19) VCF-style: chr6-42936157-C-T.
Other names: c.1295G>A, p.Arg432His (NM_001316313.2); c.1559G>A (NM_000287.3); short protein forms R432H, R520H.
Identifiers: ClinVar variation 2230351 (VCV002230351.9), dbSNP rs143904891, ClinGen allele CA3811293.

ClinVar aggregate classification (germline): Uncertain significance. Review status: criteria provided, multiple submitters, no conflicts (2 of 4 stars). 3 submissions from 3 submitters: Uncertain significance (3). Last evaluated 2025-06-02.

Conditions:
Inborn genetic diseases. Identifiers: MedGen C0950123, MeSH D030342.
PEX6-related disorder. Also called: PEX6-related disorders; PEX6-related condition.
Peroxisome biogenesis disorder. Identifiers: Orphanet 79189, MedGen C1832200, MONDO:0019234. Disease mechanism: loss of function.

Submissions (3):

PreventionGenetics, part of Exact Sciences
Classification: Uncertain significance for PEX6-related condition. Last evaluated: 2025-06-02. Review status: criteria provided, single submitter. Criteria: ACMG Guidelines, 2015. Collection method: clinical testing. Allele origin: germline.
Comment: The PEX6 c.1559G>A variant is predicted to result in the amino acid substitution p.Arg520His. To our knowledge, this variant has not been reported in the literature. This variant is reported in 0.0085% of alleles in individuals of Latino descent in gnomAD. At this time, the clinical significance of this variant is uncertain due to the absence of conclusive functional and genetic evidence.

Labcorp Genetics (formerly Invitae), Labcorp
Classification: Uncertain significance for Peroxisome biogenesis disorder. Last evaluated: 2024-06-04. Review status: criteria provided, single submitter. Criteria: Invitae Variant Classification Sherloc (09022015). Collection method: clinical testing. Allele origin: germline.
Comment: This sequence change replaces arginine, which is basic and polar, with histidine, which is basic and polar, at codon 520 of the PEX6 protein (p.Arg520His). This variant is present in population databases (rs143904891, gnomAD 0.009%). This variant has not been reported in the literature in individuals affected with PEX6-related conditions. ClinVar contains an entry for this variant (Variation ID: 2230351). Advanced modeling of protein sequence and biophysical properties (such as structural, functional, and spatial information, amino acid conservation, physicochemical variation, residue mobility, and thermodynamic stability) performed at Invitae indicates that this missense variant is not expected to disrupt PEX6 protein function with a negative predictive value of 95%. In summary, the available evidence is currently insufficient to determine the role of this variant in disease. Therefore, it has been classified as a Variant of Uncertain Significance.

Ambry Genetics
Classification: Uncertain significance for Inborn genetic diseases. Last evaluated: 2021-04-07. Review status: criteria provided, single submitter. Criteria: Ambry Variant Classification Scheme 2023. Collection method: clinical testing. Allele origin: germline.